The following is an entry in ClinVar:

NM_198965.2(PTHLH):c.167G>A (p.Arg56Gln)

Gene: PTHLH (parathyroid hormone like hormone; minus strand). Cytogenetic location: 12p11.22.
Variant type: single nucleotide variant.
Coding change: c.167G>A on transcript NM_198965.2 (MANE Select); coding-DNA position 167, G replaced by A.
Protein change: p.Arg56Gln; replaces arginine 56 with glutamine.
Molecular consequence: missense variant.
Genome position (GRCh38, 1-based): chr12:27,963,705, C>T on the plus strand (G>A on the coding strand, the complement: PTHLH is on the minus strand). VCF-style: chr12-27963705-C-T. GRCh37 (hg19) VCF-style: chr12-28116638-C-T.
Other names: c.167G>A, p.Arg56Gln (NM_002820.3, NM_198964.2, NM_198966.2); short protein forms R56Q.
Identifiers: ClinVar variation 1383557 (VCV001383557.6), dbSNP rs201319886, ClinGen allele CA234898716.

ClinVar aggregate classification (germline): Uncertain significance (1 of 4 stars; one submission).

Allele frequency attached by ClinVar (database versions not stated): gnomAD exomes below 0.00001; gnomAD 0.00001; 1000 Genomes Project 30x 0.00016; 1000 Genomes Project 0.00020.
gnomAD v4.1: 1 of 1,613,214 alleles (0.000062%); highest among the groups gnomAD compares: East Asian, 0.0022%; no homozygotes.

Submission:

Labcorp Genetics (formerly Invitae), Labcorp
Classification: Uncertain significance. Last evaluated: 2024-10-08. Review status: criteria provided, single submitter. Criteria: Invitae Variant Classification Sherloc (09022015). Collection method: clinical testing. Allele origin: germline.
Comment: This sequence change replaces arginine, which is basic and polar, with glutamine, which is neutral and polar, at codon 56 of the PTHLH protein (p.Arg56Gln). This variant is not present in population databases (gnomAD no frequency). This variant has not been reported in the literature in individuals affected with PTHLH-related conditions. ClinVar contains an entry for this variant (Variation ID: 1383557). An algorithm developed to predict the effect of missense changes on protein structure and function (PolyPhen-2) suggests that this variant is likely to be disruptive. In summary, the available evidence is currently insufficient to determine the role of this variant in disease. Therefore, it has been classified as a Variant of Uncertain Significance.